The following is an entry in ClinVar:

NM_002519.3(NPAT):c.2255C>T (p.Ser752Leu)

Gene: NPAT (nuclear protein, coactivator of histone transcription; minus strand). Cytogenetic location: 11q22.3.
Variant type: single nucleotide variant.
Coding change: c.2255C>T on transcript NM_002519.3 (MANE Select); coding-DNA position 2255, C replaced by T.
Protein change: p.Ser752Leu; replaces serine 752 with leucine.
Molecular consequence: missense variant.
Genome position (GRCh38, 1-based): chr11:108,172,729, G>A on the plus strand (C>T on the coding strand, the complement: NPAT is on the minus strand). VCF-style: chr11-108172729-G-A. GRCh37 (hg19) VCF-style: chr11-108043456-G-A.
Other names: c.2255C>T, p.Ser752Leu (NM_001321307.1); short protein forms S752L.
Identifiers: ClinVar variation 1788508 (VCV001788508.2), dbSNP rs2077964714, ClinGen allele CA382513359.

ClinVar aggregate classification (germline): Uncertain significance (1 of 4 stars; one submission).

Allele frequency attached by ClinVar (database versions not stated): gnomAD 0.00001; TOPMed 0.00002.
gnomAD v4.1: 2 of 1,613,370 alleles (0.00012%); highest among the groups gnomAD compares: African/African-American, 0.0013%; no homozygotes.

Submission:

Ambry Genetics
Classification: Uncertain significance. Last evaluated: 2021-09-26. Review status: criteria provided, single submitter. Criteria: Ambry Variant Classification Scheme 2023. Collection method: clinical testing. Allele origin: germline.
Comment: The p.S752L variant (also known as c.2255C>T), located in coding exon 13 of the NPAT gene, results from a C to T substitution at nucleotide position 2255. The serine at codon 752 is replaced by leucine, an amino acid with dissimilar properties. This amino acid position is conserved. In addition, this alteration is predicted to be tolerated by in silico analysis. Since supporting evidence is limited at this time, the clinical significance of this alteration remains unclear.